The following is an entry in ClinVar:

NM_000051.4(ATM):c.154G>C (p.Gly52Arg)

Gene: ATM (ATM serine/threonine kinase; plus strand). Cytogenetic location: 11q22.3.
Variant type: single nucleotide variant.
Coding change: c.154G>C on transcript NM_000051.4 (MANE Select); coding-DNA position 154, G replaced by C.
Protein change: p.Gly52Arg; replaces glycine 52 with arginine.
Molecular consequence: missense variant.
Genome position (GRCh38, 1-based): chr11:108,227,857, G>C. VCF-style: chr11-108227857-G-C. GRCh37 (hg19) VCF-style: chr11-108098584-G-C.
Other names: c.154G>C, p.Gly52Arg (NM_001351834.2, NM_001351835.2, NM_001351836.2); short protein forms G52R.
Identifiers: ClinVar variation 1507079 (VCV001507079.6), dbSNP rs730881362, ClinGen allele CA382520304.
Genomic context (GRCh38, chr11:108,227,857, plus strand): 5'-CGCCTGATTCGAGATCCTGAAACAATTAAACATCTAGATCGGCATTCAGATTCCAAACAA[G>C]GAAAATATTTGAATTGGGATGCTGTTTTTAGGTATTCTATTCAAATTTATTTTACTGTCT-3'
Protein context (NP_000042.3, residues 42-62): HLDRHSDSKQ[Gly52Arg]KYLNWDAVFR

ClinVar aggregate classification (germline): Uncertain significance (1 of 4 stars; one submission).

Conditions:
Ataxia-telangiectasia syndrome (AT). Also called: Cerebello-oculocutaneous telangiectasia; Immunodeficiency with ataxia telangiectasia; AT, COMPLEMENTATION GROUP C; ATAXIA-TELANGIECTASIA, COMPLEMENTATION GROUP A; ATAXIA-TELANGIECTASIA, FRESNO VARIANT; LOUIS-BAR SYNDROME. Identifiers: Orphanet 100, MedGen C0004135, MONDO:0008840, OMIM 208900.

Submission:

Labcorp Genetics (formerly Invitae), Labcorp
Classification: Uncertain significance for Ataxia-telangiectasia syndrome. Last evaluated: 2021-12-05. Review status: criteria provided, single submitter. Criteria: Invitae Variant Classification Sherloc (09022015). Collection method: clinical testing. Allele origin: germline.
Comment: This sequence change replaces glycine, which is neutral and non-polar, with arginine, which is basic and polar, at codon 52 of the ATM protein (p.Gly52Arg). This variant is not present in population databases (gnomAD no frequency). This variant has not been reported in the literature in individuals affected with ATM-related conditions. Advanced modeling of protein sequence and biophysical properties (such as structural, functional, and spatial information, amino acid conservation, physicochemical variation, residue mobility, and thermodynamic stability) performed at Invitae indicates that this missense variant is not expected to disrupt ATM protein function. In summary, the available evidence is currently insufficient to determine the role of this variant in disease. Therefore, it has been classified as a Variant of Uncertain Significance.